The following is an entry in ClinVar:

ClinVar aggregate classification (germline): Uncertain significance. Review status: criteria provided, multiple submitters, no conflicts (2 of 4 stars). 2 submissions from 2 submitters: Uncertain significance (2). Last evaluated 2022-11-30.

Conditions:
Inborn genetic diseases. Identifiers: MedGen C0950123, MeSH D030342.

Allele frequency attached by ClinVar (database versions not stated): ESP Exome Variant Server 0.00023; 1000 Genomes Project 30x 0.00031; 1000 Genomes Project 0.00040.
gnomAD v4.1: 156 of 1,594,632 alleles (0.0098%); highest among the groups gnomAD compares: Admixed American, 0.032%; 1 homozygote.

Submissions (2):

Ambry Genetics
Classification: Uncertain significance for Inborn genetic diseases. Last evaluated: 2022-11-30. Review status: criteria provided, single submitter. Criteria: Ambry Variant Classification Scheme 2023. Collection method: clinical testing. Allele origin: germline.

Labcorp Genetics (formerly Invitae), Labcorp
Classification: Uncertain significance. Last evaluated: 2022-10-20. Review status: criteria provided, single submitter. Criteria: Invitae Variant Classification Sherloc (09022015). Collection method: clinical testing. Allele origin: germline.
Comment: This sequence change replaces serine, which is neutral and polar, with leucine, which is neutral and non-polar, at codon 35 of the PYROXD1 protein (p.Ser35Leu). This variant is present in population databases (rs151083272, gnomAD 0.04%). This variant has not been reported in the literature in individuals affected with PYROXD1-related conditions. ClinVar contains an entry for this variant (Variation ID: 1435084). Advanced modeling of protein sequence and biophysical properties (such as structural, functional, and spatial information, amino acid conservation, physicochemical variation, residue mobility, and thermodynamic stability) performed at Invitae indicates that this missense variant is not expected to disrupt PYROXD1 protein function. In summary, the available evidence is currently insufficient to determine the role of this variant in disease. Therefore, it has been classified as a Variant of Uncertain Significance.

NM_024854.5(PYROXD1):c.104C>T (p.Ser35Leu)

Gene: PYROXD1 (pyridine nucleotide-disulphide oxidoreductase domain 1; plus strand). Cytogenetic location: 12p12.1.
Variant type: single nucleotide variant.
Coding change: c.104C>T on transcript NM_024854.5 (MANE Select); coding-DNA position 104, C replaced by T.
Protein change: p.Ser35Leu; replaces serine 35 with leucine.
Molecular consequence: missense variant. On other transcripts: 5 prime UTR variant (2).
Genome position (GRCh38, 1-based): chr12:21,440,387, C>T. VCF-style: chr12-21440387-C-T. GRCh37 (hg19) VCF-style: chr12-21593321-C-T.
Other names: c.-110C>T (NM_001350912.2); c.-600C>T (NM_001350913.2); c.104C>T (NM_024854.3); short protein forms S35L.
Identifiers: ClinVar variation 1435084 (VCV001435084.4), dbSNP rs151083272, ClinGen allele CA6478098.